The following is an entry in ClinVar:

ClinVar aggregate classification (germline): Uncertain significance. Review status: criteria provided, multiple submitters, no conflicts (2 of 4 stars). 4 submissions from 4 submitters: Uncertain significance (4). Last evaluated 2024-07-25.

Conditions:
Cardiomyopathy (CMYO). Also called: Cardiomyopathies. Identifiers: Orphanet 167848, MedGen C0878544, MONDO:0004994, HP:0001638. Inheritance: Various modes of inheritance.
Arrhythmogenic cardiomyopathy with wooly hair and keratoderma. Also called: Dilated cardiomyopathy with woolly hair and keratoderma; Arrhythmogenic cardiomyopathy with woolly hair and keratoderma; PALMOPLANTAR KERATODERMA WITH LEFT VENTRICULAR CARDIOMYOPATHY AND WOOLLY HAIR; Carvajal syndrome. Identifiers: Orphanet 65282, MedGen C1854063, MONDO:0011581, OMIM 605676.
Arrhythmogenic right ventricular dysplasia 8 (ARVD8). Also called: Arrhythmogenic Right Ventricular Dysplasia/Cardiomyopathy 8; ARRHYTHMOGENIC RIGHT VENTRICULAR DYSPLASIA, FAMILIAL, 8; ARRHYTHMOGENIC RIGHT VENTRICULAR CARDIOMYOPATHY 8. Identifiers: MedGen C1843896, MONDO:0011831, OMIM 607450.

Allele frequency attached by ClinVar (database versions not stated): TOPMed below 0.00001.

Submissions (4):

GeneDx
Classification: Uncertain significance. Last evaluated: 2024-07-25. Review status: criteria provided, single submitter. Criteria: GeneDx Variant Classification Process June 2021. Collection method: clinical testing. Allele origin: germline. Affected: yes.
Comment: Has not been previously published as pathogenic or benign to our knowledge; Not observed at significant frequency in large population cohorts (gnomAD); In silico analysis indicates that this missense variant does not alter protein structure/function

All of Us Research Program, National Institutes of Health
Classification: Uncertain significance for Arrhythmogenic cardiomyopathy with wooly hair and keratoderma. Last evaluated: 2024-02-22. Review status: criteria provided, single submitter. Criteria: ACMG Guidelines, 2015. Collection method: clinical testing. Allele origin: germline. Inheritance: Autosomal dominant inheritance. Observed: 5 variant alleles, 5 heterozygotes.
Comment: This missense variant replaces asparagine with serine at codon 2474 of the DSP protein. Computational prediction suggests that this variant may not impact protein structure and function (internally defined REVEL score threshold <= 0.5, PMID: 27666373). To our knowledge, functional studies have not been reported for this variant. This variant has not been reported in individuals affected with DSP-related disorders in the literature. This variant has not been identified in the general population by the Genome Aggregation Database (gnomAD). The available evidence is insufficient to determine the role of this variant in disease conclusively. Therefore, this variant is classified as a Variant of Uncertain Significance.

This study involves interpretation of variants in research participants for the purpose of population health screening. Participant phenotype was not available at the time of variant classification. Additional details can be found in publication PMID: 35346344, PMCID: PMC8962531

Labcorp Genetics (formerly Invitae), Labcorp
Classification: Uncertain significance for Arrhythmogenic cardiomyopathy with wooly hair and keratoderma; Arrhythmogenic right ventricular dysplasia 8. Last evaluated: 2024-02-17. Review status: criteria provided, single submitter. Criteria: Invitae Variant Classification Sherloc (09022015). Collection method: clinical testing. Allele origin: germline.
Comment: This sequence change replaces asparagine, which is neutral and polar, with serine, which is neutral and polar, at codon 2474 of the DSP protein (p.Asn2474Ser). This variant is not present in population databases (gnomAD no frequency). This variant has not been reported in the literature in individuals affected with DSP-related conditions. ClinVar contains an entry for this variant (Variation ID: 1397231). An algorithm developed to predict the effect of missense changes on protein structure and function (PolyPhen-2) suggests that this variant is likely to be tolerated. In summary, the available evidence is currently insufficient to determine the role of this variant in disease. Therefore, it has been classified as a Variant of Uncertain Significance.

Color Diagnostics, LLC DBA Color Health
Classification: Uncertain significance for Cardiomyopathy. Last evaluated: 2024-02-06. Review status: criteria provided, single submitter. Criteria: ACMG Guidelines, 2015. Collection method: clinical testing. Allele origin: germline.
Comment: This missense variant replaces asparagine with serine at codon 2474 of the DSP protein. Computational prediction suggests that this variant may not impact protein structure and function. To our knowledge, functional studies have not been reported for this variant. This variant has not been reported in individuals affected with DSP-related disorders in the literature. This variant has not been identified in the general population by the Genome Aggregation Database (gnomAD). The available evidence is insufficient to determine the role of this variant in disease conclusively. Therefore, this variant is classified as a Variant of Uncertain Significance.

NM_004415.4(DSP):c.7421A>G (p.Asn2474Ser)

Gene: DSP (desmoplakin; plus strand). Cytogenetic location: 6p24.3.
Variant type: single nucleotide variant.
Coding change: c.7421A>G on transcript NM_004415.4 (MANE Select); coding-DNA position 7421, A replaced by G.
Protein change: p.Asn2474Ser; replaces asparagine 2474 with serine.
Molecular consequence: missense variant.
Genome position (GRCh38, 1-based): chr6:7,584,683, A>G. VCF-style: chr6-7584683-A-G. GRCh37 (hg19) VCF-style: chr6-7584916-A-G.
Other names: c.5624A>G, p.Asn1875Ser (NM_001008844.3); c.6092A>G, p.Asn2031Ser (NM_001319034.2); c.7421A>G (NM_004415.2); short protein forms N1875S, N2474S, N2031S.
Identifiers: ClinVar variation 1397231 (VCV001397231.11), dbSNP rs1759570598, ClinGen allele CA362692963.